The following is an entry in ClinVar:

NM_000089.4(COL1A2):c.1207G>T (p.Gly403Cys)

Gene: COL1A2 (collagen type I alpha 2 chain; plus strand). Cytogenetic location: 7q21.3.
Variant type: single nucleotide variant.
Coding change: c.1207G>T on transcript NM_000089.4 (MANE Select); coding-DNA position 1207, G replaced by T.
Protein change: p.Gly403Cys; replaces glycine 403 with cysteine.
Molecular consequence: missense variant.
Genome position (GRCh38, 1-based): chr7:94,410,898, G>T. VCF-style: chr7-94410898-G-T. GRCh37 (hg19) VCF-style: chr7-94040210-G-T.
Other names: short protein forms G403C.
Identifiers: ClinVar variation 3338018 (VCV003338018.3).

ClinVar aggregate classification (germline): Pathogenic/Likely pathogenic. Review status: criteria provided, multiple submitters, no conflicts (2 of 4 stars). 2 submissions from 2 submitters: Pathogenic (1); Likely pathogenic (1). Last evaluated 2025-02-16.

Conditions:
Osteogenesis imperfecta type III (OI3). Also called: Progressively Deforming Osteogenesis Imperfecta; Osteogenesis imperfecta type 3; OI type 3; Osteogenesis imperfecta, progressively deforming with normal sclerae; OI type III. Identifiers: Orphanet 216812, Orphanet 666, MedGen C0268362, MONDO:0009804, OMIM 259420.

Submissions (2):

Laboratory of Genetics, Children's Clinical University Hospital Latvia
Classification: Pathogenic. Last evaluated: 2025-02-16. Review status: criteria provided, single submitter. Criteria: ACMG Guidelines, 2015. Collection method: clinical testing. Allele origin: germline. Affected: yes.

Department Of Medical Genetics, Apollo Hospitals
Classification: Likely pathogenic for Osteogenesis imperfecta type III. Last evaluated: 2024-08-08. Review status: criteria provided, single submitter. Criteria: ACMG Guidelines, 2015. Collection method: clinical testing. Allele origin: unknown. Inheritance: Autosomal dominant inheritance. Affected: yes. Observed: 1 heterozygote.
Comment: The Gly403Cys variant has been previously reported in a patient diagnosed with Osteogenesis imperfecta type III (Augusciak-Duma et al., 2018; PMID:29543922). Functional studies in the patients fibroblasts have demonstrated altered ratio of procollagen chains (2:1 ratio of pro-collagen type 1 alpha 1 chain and type 1 alpha 2 chain, is observed normally in skin, tendon and bone). It is also hypothesized that substitution of a small glycine residue by a larger cysteine in the pro-α2(I) chain might alter the triple helical structure, decrease its stability and disturb binding sites of interleukin 2, decorin and α2β1 integrin (Augusciak-Duma et al., 2018). A different amino acid change (Gly403Arg) has been reported in Clinvar as Pathogenic (Accession: SCV002518738.1; Accession: SCV002564763.1). The following ACMG criteria's are met for classification of the variant as Likely Pathogenic - PM1, PM2, PM5, PP2, PP3.